The following is an entry in ClinVar:

NM_001126108.2(SLC12A3):c.2024G>A (p.Gly675Asp)

Gene: SLC12A3 (solute carrier family 12 member 3; plus strand). Cytogenetic location: 16q13.
Variant type: single nucleotide variant.
Coding change: c.2024G>A on transcript NM_001126108.2 (MANE Select); coding-DNA position 2024, G replaced by A.
Protein change: p.Gly675Asp; replaces glycine 675 with aspartic acid.
Molecular consequence: missense variant.
Genome position (GRCh38, 1-based): chr16:56,886,462, G>A. VCF-style: chr16-56886462-G-A. GRCh37 (hg19) VCF-style: chr16-56920374-G-A.
Other names: c.2024G>A, p.Gly675Asp (NM_000339.3); c.2021G>A, p.Gly674Asp (NM_001126107.2, NM_001410896.1); short protein forms G674D, G675D.
Identifiers: ClinVar variation 1719426 (VCV001719426.5), dbSNP rs2055312680, ClinGen allele CA395993374.

ClinVar aggregate classification (germline): Uncertain significance (1 of 4 stars; one submission).

Submission:

Labcorp Genetics (formerly Invitae), Labcorp
Classification: Uncertain significance. Last evaluated: 2023-02-21. Review status: criteria provided, single submitter. Criteria: Invitae Variant Classification Sherloc (09022015). Collection method: clinical testing. Allele origin: germline.
Comment: This variant has not been reported in the literature in individuals affected with SLC12A3-related conditions. This sequence change replaces glycine, which is neutral and non-polar, with aspartic acid, which is acidic and polar, at codon 675 of the SLC12A3 protein (p.Gly675Asp). This variant is not present in population databases (gnomAD no frequency). ClinVar contains an entry for this variant (Variation ID: 1719426). Advanced modeling of protein sequence and biophysical properties (such as structural, functional, and spatial information, amino acid conservation, physicochemical variation, residue mobility, and thermodynamic stability) performed at Invitae indicates that this missense variant is expected to disrupt SLC12A3 protein function. In summary, the available evidence is currently insufficient to determine the role of this variant in disease. Therefore, it has been classified as a Variant of Uncertain Significance.